The following is an entry in ClinVar:

NM_000969.5(RPL5):c.189+2T>G

Genes: DIPK1A (divergent protein kinase domain 1A; minus strand), RPL5 (ribosomal protein L5; plus strand). Cytogenetic location: 1p22.1.
Variant type: single nucleotide variant.
Coding change: c.189+2T>G on transcript NM_000969.5 (MANE Select); the canonical splice donor site of the intron after coding-DNA position 189, T replaced by G.
Molecular consequence: splice donor variant. On other transcripts: intron variant (1).
Genome position (GRCh38, 1-based): chr1:92,833,662, T>G. VCF-style: chr1-92833662-T-G. GRCh37 (hg19) VCF-style: chr1-93299219-T-G.
Other names: c.475-628A>C (NM_001252273.2).
Identifiers: ClinVar variation 986789 (VCV000986789.5), dbSNP rs1687004626, ClinGen allele CA341241111.
Genomic context (GRCh38, chr1:92,833,662, plus strand): 5'-ACAACACACCCAAATACAGGATGATAGTTCGTGTGACAAACAGAGATATCATTTGTCAGG[T>G]AAGTTGTATTCTAGACAGTCCCCTTTTTTTATTGCTAGAGAAATTGTGCTTGGGAAGCAA-3'

ClinVar aggregate classification (germline): Likely pathogenic (0 of 4 stars; one submission).

Conditions:
Diamond-Blackfan anemia 6 (DBA6). Also called: RPL5-Related Diamond-Blackfan Anemia. Identifiers: Orphanet 124, MedGen C2931850, MONDO:0012937, OMIM 612561.

Submission:

University of Washington Department of Laboratory Medicine, University of Washington
Classification: Likely pathogenic for Diamond-Blackfan anemia 6. Last evaluated: 2020-08-20. Review status: no assertion criteria provided. Collection method: clinical testing. Allele origin: unknown. Affected: yes.
Comment: Testing performed in a collaborating laboratory on RPL5 c.189+2T>G showed this variant results in altered splicing. The RPL5 variant results in altered splicing in 60%-100% of transcript from the mutant allele, depending on whether RNA was from lymphoblasts or whole blood. Aberrantly spliced transcripts result in a premature stop (exon 3 skipping) and deletion of several conserved aminoacids (exons 2-3 skipping). Therefore, this specific variant is now classified as likely pathogenic.